The following is an entry in ClinVar:

ClinVar aggregate classification (germline): Uncertain significance (1 of 4 stars; one submission).

Allele frequency attached by ClinVar (database versions not stated): gnomAD 0.00001; gnomAD exomes 0.00001 and 0.00004; TOPMed 0.00002; ExAC 0.00003.
gnomAD v4.1: 13 of 1,613,620 alleles (0.00081%); highest among the groups gnomAD compares: East Asian, 0.029%; no homozygotes.

Submission:

Labcorp Genetics (formerly Invitae), Labcorp
Classification: Uncertain significance. Last evaluated: 2021-08-30. Review status: criteria provided, single submitter. Criteria: Invitae Variant Classification Sherloc (09022015). Collection method: clinical testing. Allele origin: germline.
Comment: This sequence change replaces isoleucine with methionine at codon 1383 of the ABCA3 protein (p.Ile1383Met). The isoleucine residue is moderately conserved and there is a small physicochemical difference between isoleucine and methionine. This variant is present in population databases (rs772158879, ExAC 0.05%). This variant has not been reported in the literature in individuals affected with ABCA3-related conditions. Algorithms developed to predict the effect of missense changes on protein structure and function are either unavailable or do not agree on the potential impact of this missense change (SIFT: "Deleterious"; PolyPhen-2: "Benign"; Align-GVGD: "Class C0"). In summary, the available evidence is currently insufficient to determine the role of this variant in disease. Therefore, it has been classified as a Variant of Uncertain Significance.

NM_001089.3(ABCA3):c.4149C>G (p.Ile1383Met)

Gene: ABCA3 (ATP binding cassette subfamily A member 3; minus strand). Cytogenetic location: 16p13.3.
Variant type: single nucleotide variant.
Coding change: c.4149C>G on transcript NM_001089.3 (MANE Select); coding-DNA position 4149, C replaced by G.
Protein change: p.Ile1383Met; replaces isoleucine 1383 with methionine.
Molecular consequence: missense variant.
Genome position (GRCh38, 1-based): chr16:2,281,396, G>C on the plus strand (C>G on the coding strand, the complement: ABCA3 is on the minus strand). VCF-style: chr16-2281396-G-C. GRCh37 (hg19) VCF-style: chr16-2331397-G-C.
Other names: short protein forms I1383M.
Identifiers: ClinVar variation 1495485 (VCV001495485.5), dbSNP rs772158879, ClinGen allele CA7840244.